The following is an entry in ClinVar:

NM_005431.2(XRCC2):c.76G>A (p.Glu26Lys)

Gene: XRCC2 (X-ray repair cross complementing 2; minus strand). Cytogenetic location: 7q36.1.
Variant type: single nucleotide variant.
Coding change: c.76G>A on transcript NM_005431.2 (MANE Select); coding-DNA position 76, G replaced by A.
Protein change: p.Glu26Lys; replaces glutamic acid 26 with lysine.
Molecular consequence: missense variant.
Genome position (GRCh38, 1-based): chr7:152,660,746, C>T on the plus strand (G>A on the coding strand, the complement: XRCC2 is on the minus strand). VCF-style: chr7-152660746-C-T. GRCh37 (hg19) VCF-style: chr7-152357831-C-T.
Other names: short protein forms E26K.
Identifiers: ClinVar variation 3471468 (VCV003471468.1).

ClinVar aggregate classification (germline): Uncertain significance (1 of 4 stars; one submission).

Conditions:
Hereditary cancer-predisposing syndrome. Also called: Tumor predisposition; Neoplastic Syndromes, Hereditary; Hereditary neoplastic syndrome; Hereditary Cancer Syndrome. Identifiers: Orphanet 140162, MedGen C0027672, MeSH D009386, MONDO:0015356.

Submission:

Ambry Genetics
Classification: Uncertain significance for Hereditary cancer-predisposing syndrome. Last evaluated: 2024-09-15. Review status: criteria provided, single submitter. Criteria: Ambry Variant Classification Scheme 2023. Collection method: clinical testing. Allele origin: germline.
Comment: The p.E26K variant (also known as c.76G>A), located in coding exon 2 of the XRCC2 gene, results from a G to A substitution at nucleotide position 76. The glutamic acid at codon 26 is replaced by lysine, an amino acid with similar properties. This amino acid position is conserved. In addition, this alteration is predicted to be tolerated by in silico analysis. Based on the available evidence, the clinical significance of this variant remains unclear.